The following is an entry in ClinVar:

NM_001170629.2(CHD8):c.1843C>T (p.Pro615Ser)

Gene: CHD8 (chromodomain helicase DNA binding protein 8; minus strand). Cytogenetic location: 14q11.2.
Variant type: single nucleotide variant.
Coding change: c.1843C>T on transcript NM_001170629.2 (MANE Select); coding-DNA position 1843, C replaced by T.
Protein change: p.Pro615Ser; replaces proline 615 with serine.
Molecular consequence: missense variant.
Genome position (GRCh38, 1-based): chr14:21,415,781, G>A on the plus strand (C>T on the coding strand, the complement: CHD8 is on the minus strand). VCF-style: chr14-21415781-G-A. GRCh37 (hg19) VCF-style: chr14-21883940-G-A.
Other names: c.1006C>T, p.Pro336Ser (NM_020920.4); short protein forms P336S, P615S.
Identifiers: ClinVar variation 588084 (VCV000588084.20), dbSNP rs61744458, ClinGen allele CA7091700.

ClinVar aggregate classification (germline): Benign/Likely benign. Review status: criteria provided, multiple submitters, no conflicts (2 of 4 stars). 6 submissions from 6 submitters: Benign (2); Likely benign (3). 1 of the submissions does not count toward it. Last evaluated 2026-02-02.

Conditions:
CHD8-related disorder. Also called: CHD8-related disorders; CHD8-related condition.
Inborn genetic diseases. Identifiers: MedGen C0950123, MeSH D030342.

Allele frequency attached by ClinVar (database versions not stated): gnomAD exomes 0.00055 and 0.00132; ExAC 0.00146; 1000 Genomes Project 0.00319; 1000 Genomes Project 30x 0.00344; gnomAD 0.00532 and 0.00579; TOPMed 0.00638; ESP Exome Variant Server 0.00642.
gnomAD v4.1: 1,645 of 1,613,892 alleles (0.1%); highest among the groups gnomAD compares: African/African-American, 2%; 15 homozygotes.

Submissions (6):

Labcorp Genetics (formerly Invitae), Labcorp
Classification: Benign. Last evaluated: 2026-02-02. Review status: criteria provided, single submitter. Criteria: Invitae Variant Classification Sherloc (09022015). Collection method: clinical testing. Allele origin: germline.

Blueprint Genetics
Classification: Likely benign. Last evaluated: 2024-10-22. Review status: criteria provided, single submitter. Criteria: ACMG Guidelines, 2015. Collection method: clinical testing. Allele origin: germline.

GeneDx
Classification: Likely benign. Last evaluated: 2021-02-03. Review status: criteria provided, single submitter. Criteria: GeneDx Variant Classification Process June 2021. Collection method: clinical testing. Allele origin: germline. Affected: yes.

Ambry Genetics
Classification: Benign for Inborn genetic diseases. Last evaluated: 2016-07-26. Review status: criteria provided, single submitter. Criteria: Ambry Variant Classification Scheme 2023. Collection method: clinical testing. Allele origin: germline.

Breakthrough Genomics
Classification: Likely benign. Review status: criteria provided, single submitter. Criteria: ACMG Guidelines, 2015. Collection method: not provided. Allele origin: germline. Inheritance: Autosomal dominant inheritance. Affected: yes.

PreventionGenetics, part of Exact Sciences
Classification: Benign for CHD8-related condition. Last evaluated: 2021-06-15. Review status: no assertion criteria provided. Collection method: clinical testing. Allele origin: germline. Not counted in ClinVar's aggregate classification.
Comment: This variant is classified as benign based on ACMG/AMP sequence variant interpretation guidelines (Richards et al. 2015 PMID: 25741868, with internal and published modifications).